The following is an entry in ClinVar:

NM_000368.5(TSC1):c.146_148dup (p.Tyr49_Leu50insHis)

Gene: TSC1 (TSC complex subunit 1; minus strand). Cytogenetic location: 9q34.13.
Variant type: Duplication.
Coding change: c.146_148dup on transcript NM_000368.5 (MANE Select); coding-DNA positions 146 to 148, 3 bases duplicated (ACC; older notation c.146_148dupACC).
Protein change: p.Tyr49_Leu50insHis.
Molecular consequence: 5 prime UTR variant (on NM_001406615.1). On other transcripts: non-coding transcript variant (4), intron variant (9).
Genome position (GRCh38, 1-based): chr9:132,927,263-132,927,265, GGT duplicated on the plus strand (ACC on the coding strand, the reverse complement: TSC1 is on the minus strand). VCF-style (leftmost placement, unchanged base first): chr9-132927262-A-AGGT. GRCh37 (hg19) VCF-style: chr9-135802649-A-AGGT.
Other names: c.146_148dup, p.Tyr49_Leu50insHis (NM_001162426.2, NM_001162427.2, NM_001406592.1 and 21 more transcripts); c.-343_-341dup (NM_001406615.1, NM_001406623.1); c.-310_-308dup (NM_001406616.1, NM_001406624.1); c.-732_-730dup (NM_001406626.1, NM_001406627.1, NM_001406628.1); c.-874_-872dup (NM_001406629.1); c.-948_-946dup (NM_001406630.1); c.-153-1526_-153-1524dup (NM_001406620.1, NM_001406618.1); c.-154+1502_-154+1504dup (NM_001406625.1, NM_001406621.1, NM_001406617.1 and 3 more transcripts); and 1 more.
Identifiers: ClinVar variation 3663143 (VCV003663143.2).
Genomic context (GRCh38, chr9:132,927,262, plus strand): 5'-TTGTCATGTGGCTCTTGCAAGGTGGTCAGGATGTGCAATGCCGGCTGAGAGCTGGTTTCC[A>AGGT]GGTAATAATCCACCAAGGTGTTTACAAGCATAGGGCCACGGTCTAAATCAAGAAAAGGGC-3'

ClinVar aggregate classification (germline): Uncertain significance (1 of 4 stars; one submission).

Conditions:
Tuberous sclerosis 1 (TSC1). Identifiers: Orphanet 805, MedGen C1854465, MONDO:0008612, OMIM 191100.

Submission:

Labcorp Genetics (formerly Invitae), Labcorp
Classification: Uncertain significance for Tuberous sclerosis 1. Last evaluated: 2024-08-22. Review status: criteria provided, single submitter. Criteria: Invitae Variant Classification Sherloc (09022015). Collection method: clinical testing. Allele origin: germline.
Comment: This variant, c.146_148dup, results in the insertion of 1 amino acid(s) of the TSC1 protein (p.Tyr49_Leu50insHis), but otherwise preserves the integrity of the reading frame. This variant is not present in population databases (gnomAD no frequency). This variant has not been reported in the literature in individuals affected with TSC1-related conditions. In summary, the available evidence is currently insufficient to determine the role of this variant in disease. Therefore, it has been classified as a Variant of Uncertain Significance.